The following is an entry in ClinVar:

NM_004168.4(SDHA):c.424A>G (p.Met142Val)

Gene: SDHA (succinate dehydrogenase complex flavoprotein subunit A; plus strand). Cytogenetic location: 5p15.33.
Variant type: single nucleotide variant.
Coding change: c.424A>G on transcript NM_004168.4 (MANE Select); coding-DNA position 424, A replaced by G.
Protein change: p.Met142Val; replaces methionine 142 with valine.
Molecular consequence: missense variant. On other transcripts: intron variant (1).
Genome position (GRCh38, 1-based): chr5:225,530, A>G. VCF-style: chr5-225530-A-G. GRCh37 (hg19) VCF-style: chr5-225645-A-G.
Other names: p.Met142Val; c.424A>G, p.Met142Val (NM_001330758.2); c.313-353A>G (NM_001294332.2); short protein forms M142V.
Identifiers: ClinVar variation 412352 (VCV000412352.15), dbSNP rs776848209, ClinGen allele CA3172814.

ClinVar aggregate classification (germline): Uncertain significance. Review status: criteria provided, multiple submitters, no conflicts (2 of 4 stars). 6 submissions from 6 submitters: Uncertain significance (6). Last evaluated 2025-12-09.

Conditions:
Dilated cardiomyopathy 1GG (CMD1GG). Identifiers: Orphanet 154, MedGen C3150898, MONDO:0013339, OMIM 613642.
Neurodegeneration with ataxia and late-onset optic atrophy. Identifiers: MedGen C5543254, MONDO:0031006, OMIM 619259.
Mitochondrial complex II deficiency, nuclear type 1. Also called: SUCCINATE CoQ REDUCTASE DEFICIENCY. Identifiers: Orphanet 3208, MedGen C5700310, MONDO:0100294, OMIM 252011.
Pheochromocytoma/paraganglioma syndrome 5. Also called: SDHA-Related Hereditary Paraganglioma-Pheochromocytoma Syndrome; Paragangliomas 5. Identifiers: Orphanet 29072, MedGen C3279992, MONDO:0013602, OMIM 614165.
Hereditary cancer-predisposing syndrome. Also called: Neoplastic Syndromes, Hereditary; Hereditary Cancer Syndrome; Tumor predisposition; Hereditary neoplastic syndrome. Identifiers: Orphanet 140162, MedGen C0027672, MeSH D009386, MONDO:0015356.

Allele frequency attached by ClinVar (database versions not stated): ExAC 0.00002; gnomAD 0.00003; TOPMed 0.00006.

Submissions (6):

Labcorp Genetics (formerly Invitae), Labcorp
Classification: Uncertain significance for Pheochromocytoma/paraganglioma syndrome 5; Mitochondrial complex II deficiency, nuclear type 1. Last evaluated: 2025-12-09. Review status: criteria provided, single submitter. Criteria: Invitae Variant Classification Sherloc (09022015). Collection method: clinical testing. Allele origin: germline.
Comment: This sequence change replaces methionine, which is neutral and non-polar, with valine, which is neutral and non-polar, at codon 142 of the SDHA protein (p.Met142Val). This variant is present in population databases (rs776848209, gnomAD 0.02%). This missense change has been observed in individual(s) with clinical features of SDHA-related conditions (PMID: 34732400). ClinVar contains an entry for this variant (Variation ID: 412352). Invitae Evidence Modeling of protein sequence and biophysical properties (such as structural, functional, and spatial information, amino acid conservation, physicochemical variation, residue mobility, and thermodynamic stability) indicates that this missense variant is not expected to disrupt SDHA protein function with a negative predictive value of 95%. In summary, the available evidence is currently insufficient to determine the role of this variant in disease. Therefore, it has been classified as a Variant of Uncertain Significance.

Dasa
Classification: Uncertain significance. Last evaluated: 2025-09-08. Review status: criteria provided, single submitter. Criteria: DASA Assertion Criteria. Collection method: clinical testing. Allele origin: germline.
Comment: NM_004168.4(SDHA):c.424A>G (p.Met142Val) is a missense variant that results in the substitution of methionine with valine. Multiple computational predictions support a deleterious effect on the gene or gene product. The variant is present at low frequency in population datasets. Based on the available data, this variant is classified as variant of uncertain significance.

Ambry Genetics
Classification: Uncertain significance for Hereditary cancer-predisposing syndrome. Last evaluated: 2023-10-26. Review status: criteria provided, single submitter. Criteria: Ambry Variant Classification Scheme 2023. Collection method: clinical testing. Allele origin: germline.
Comment: The p.M142V variant (also known as c.424A>G), located in coding exon 4 of the SDHA gene, results from an A to G substitution at nucleotide position 424. The methionine at codon 142 is replaced by valine, an amino acid with highly similar properties. This amino acid position is highly conserved in available vertebrate species. In addition, this alteration is predicted to be deleterious by in silico analysis. Since supporting evidence is limited at this time, the clinical significance of this alteration remains unclear.

Fulgent Genetics
Classification: Uncertain significance for Mitochondrial complex II deficiency, nuclear type 1; Dilated cardiomyopathy 1GG; Pheochromocytoma/paraganglioma syndrome 5; Neurodegeneration with ataxia and late-onset optic atrophy. Last evaluated: 2021-11-11. Review status: criteria provided, single submitter. Criteria: ACMG Guidelines, 2015. Collection method: clinical testing. Allele origin: unknown.

Clinical Genomics Laboratory, Stanford Medicine
Classification: Uncertain significance for Mitochondrial complex II deficiency, nuclear type 1. Last evaluated: 2021-06-03. Review status: criteria provided, single submitter. Criteria: ACMG Guidelines, 2015. Collection method: clinical testing. Allele origin: germline. Affected: yes. Observed: 1 heterozygote.
Comment: The p.Met142Val variant in the SDHAgene has not been previously reported in association with disease.•This variant has been identified in 4/24,758 African/African-American chromosomes by the Genome Aggregation Database. Although this variant has been seen in the general population, its frequency is low enough to be consistent with a recessive carrier frequency.•Computational tools predict that this variant is deleterious; however, the accuracy of in silicoalgorithms is limited.•These data were assessed using the ACMG/AMP variant interpretation guidelines. In summary, the significance of the p.Met142Val variant is uncertain. Additional information is needed to resolve the significance of this variant. [ACMG evidence codes used: PM2; PP3]

GeneDx
Classification: Uncertain significance. Last evaluated: 2021-03-22. Review status: criteria provided, single submitter. Criteria: GeneDx Variant Classification Process June 2021. Collection method: clinical testing. Allele origin: germline. Affected: yes.
Comment: In silico analysis supports that this missense variant has a deleterious effect on protein structure/function; Has not been previously published as pathogenic or benign to our knowledge

Literature cited by the submitters: PubMed 34732400 (cited by Labcorp Genetics (formerly Invitae), Labcorp).